The following is an entry in ClinVar:

ClinVar aggregate classification (germline): Conflicting classifications of pathogenicity. Review status: criteria provided, conflicting classifications (1 of 4 stars). 11 submissions from 11 submitters: Uncertain significance (7); Likely benign (2). 2 of the submissions do not count toward it. Last evaluated 2025-09-03.

Conditions:
MYL3-related disorder. Also called: MYL3-related condition.
Cardiovascular phenotype. Identifiers: MedGen CN230736.
Cardiomyopathy (CMYO). Also called: Cardiomyopathies. Identifiers: Orphanet 167848, MedGen C0878544, MONDO:0004994, HP:0001638. Inheritance: Various modes of inheritance.
Hypertrophic cardiomyopathy 8. Also called: CARDIOMYOPATHY, HYPERTROPHIC, MID-LEFT VENTRICULAR CHAMBER TYPE, 1; MYL3-Related Familial Hypertrophic Cardiomyopathy. Identifiers: MedGen C1837471, MONDO:0012111, OMIM 608751.
Hypertrophic cardiomyopathy. Also called: HYPERTROPHIC MYOCARDIOPATHY. Identifiers: Orphanet 217569, MedGen C0007194, MeSH D002312, MONDO:0005045, HP:0001639.

Allele frequency attached by ClinVar (database versions not stated): gnomAD 0.00001; TOPMed 0.00001; gnomAD exomes 0.00003 and 0.00008; ExAC 0.00006.
gnomAD v4.1: 53 of 1,613,994 alleles (0.0033%); highest among the groups gnomAD compares: South Asian, 0.023%; no homozygotes.

Submissions (11):

Labcorp Genetics (formerly Invitae), Labcorp
Classification: Uncertain significance for Hypertrophic cardiomyopathy. Last evaluated: 2025-09-03. Review status: criteria provided, single submitter. Criteria: Invitae Variant Classification Sherloc (09022015). Collection method: clinical testing. Allele origin: germline.
Comment: This sequence change replaces glycine, which is neutral and non-polar, with arginine, which is basic and polar, at codon 74 of the MYL3 protein (p.Gly74Arg). This variant is present in population databases (rs730880956, gnomAD 0.03%). This missense change has been observed in individual(s) with clinical features of MYL3-related conditions (PMID: 27332903, 30847666). ClinVar contains an entry for this variant (Variation ID: 181441). An algorithm developed to predict the effect of missense changes on protein structure and function (PolyPhen-2) suggests that this variant is likely to be disruptive. In summary, the available evidence is currently insufficient to determine the role of this variant in disease. Therefore, it has been classified as a Variant of Uncertain Significance.

PreventionGenetics, part of Exact Sciences
Classification: Uncertain significance for MYL3-related condition. Last evaluated: 2025-08-29. Review status: criteria provided, single submitter. Criteria: ACMG Guidelines, 2015. Collection method: clinical testing. Allele origin: germline.
Comment: The MYL3 c.220G>A variant is predicted to result in the amino acid substitution p.Gly74Arg. This variant has been reported in a case of sudden cardiac death (Bagnall et al. 2016, PubMed ID: 27332903). It has also been reported in an individual with dilated cardiomyopathy (DCM) who carried a pathogenic MYBPC3 variant (Online Supplementary File 2, van Lint et al. 2019. PubMed ID: 30847666). This variant is reported in 0.029% of alleles in individuals of South Asian descent in gnomAD. At this time, the clinical significance of this variant is uncertain due to the absence of conclusive functional and genetic evidence.

Blueprint Genetics
Classification: Likely benign. Last evaluated: 2024-10-01. Review status: criteria provided, single submitter. Criteria: ACMG Guidelines, 2015. Collection method: clinical testing. Allele origin: germline.

All of Us Research Program, National Institutes of Health
Classification: Uncertain significance for Hypertrophic cardiomyopathy. Last evaluated: 2024-09-23. Review status: criteria provided, single submitter. Criteria: ACMG Guidelines, 2015. Collection method: clinical testing. Allele origin: germline. Inheritance: Autosomal dominant inheritance. Observed: 5 variant alleles, 5 heterozygotes.
Comment: This missense variant replaces glycine with arginine at codon 74 of the MYL3 protein. Computational prediction suggests that this variant may not impact protein structure and function (internally defined REVEL score threshold <= 0.5, PMID: 27666373). To our knowledge, functional studies have not been reported for this variant. This variant has been reported in an individual affected with sudden cardiac death (PMID: 27332903). It has also been reported in an individual affected with dilated cardiomyopathy; this individual also carried a pathogenic variant in the MYBPC3 gene (PMID: 30847666). This variant has been identified in 22/282826 chromosomes in the general population by the Genome Aggregation Database (gnomAD). The available evidence is insufficient to determine the role of this variant in disease conclusively. Therefore, this variant is classified as a Variant of Uncertain Significance.

This study involves interpretation of variants in research participants for the purpose of population health screening. Participant phenotype was not available at the time of variant classification. Additional details can be found in publication PMID: 35346344, PMCID: PMC8962531

Color Diagnostics, LLC DBA Color Health
Classification: Uncertain significance for Cardiomyopathy. Last evaluated: 2023-02-15. Review status: criteria provided, single submitter. Criteria: ACMG Guidelines, 2015. Collection method: clinical testing. Allele origin: germline.
Comment: This missense variant replaces glycine with arginine at codon 74 of the MYL3 protein. Computational prediction suggests that this variant may not impact protein structure and function (internally defined REVEL score threshold <= 0.5, PMID: 27666373). To our knowledge, functional studies have not been reported for this variant. This variant has been reported in an individual affected with sudden cardiac death (PMID: 27332903). It has also been reported in an individual affected with dilated cardiomyopathy; this individual also carried a pathogenic variant in the MYBPC3 gene (PMID: 30847666). This variant has been identified in 22/282826 chromosomes in the general population by the Genome Aggregation Database (gnomAD). The available evidence is insufficient to determine the role of this variant in disease conclusively. Therefore, this variant is classified as a Variant of Uncertain Significance.

Ambry Genetics
Classification: Likely benign for Cardiovascular phenotype. Last evaluated: 2021-06-29. Review status: criteria provided, single submitter. Criteria: Ambry Variant Classification Scheme 2023. Collection method: clinical testing. Allele origin: germline.

GeneDx
Classification: Uncertain significance. Last evaluated: 2019-09-20. Review status: criteria provided, single submitter. Criteria: GeneDx Variant Classification Process June 2021. Collection method: clinical testing. Allele origin: germline. Affected: yes.
Comment: Reported in ClinVar as a variant of uncertain significance (ClinVar Variant ID# 181441; Landrum et al., 2016); In silico analysis, which includes protein predictors and evolutionary conservation, supports a deleterious effect; This variant is associated with the following publications: (PMID: 27332903)

Genome Diagnostics Laboratory, University Medical Center Utrecht
Classification: Uncertain significance for Hypertrophic cardiomyopathy 8. Last evaluated: 2017-07-19. Review status: criteria provided, single submitter. Criteria: ACGS Guidelines, 2013. Collection method: clinical testing. Allele origin: germline. Affected: yes. Study: VKGL Data-share Consensus.

Stanford Center for Inherited Cardiovascular Disease, Stanford University
Classification: Uncertain significance. Last evaluated: 2014-09-10. Review status: criteria provided, single submitter. Criteria: ACMG Guidelines, 2015. Collection method: provider interpretation. Allele origin: germline.

Clinical Genetics DNA and cytogenetics Diagnostics Lab, Erasmus MC, Erasmus Medical Center
Classification: Uncertain significance. Review status: no assertion criteria provided. Collection method: clinical testing. Allele origin: germline. Affected: yes. Study: VKGL Data-share Consensus. Not counted in ClinVar's aggregate classification.

Clinical Genetics, Academic Medical Center
Classification: Uncertain significance. Review status: no assertion criteria provided. Collection method: clinical testing. Allele origin: germline. Affected: yes. Study: VKGL Data-share Consensus. Not counted in ClinVar's aggregate classification.

Literature cited by the submitters: PubMed 27332903 (cited by 4 submitters); PubMed 30847666 (cited by 4 submitters).

NM_000258.3(MYL3):c.220G>A (p.Gly74Arg)

Gene: MYL3 (myosin light chain 3; minus strand). Cytogenetic location: 3p21.31.
Variant type: single nucleotide variant.
Coding change: c.220G>A on transcript NM_000258.3 (MANE Select); coding-DNA position 220, G replaced by A.
Protein change: p.Gly74Arg; replaces glycine 74 with arginine.
Molecular consequence: missense variant.
Genome position (GRCh38, 1-based): chr3:46,860,763, C>T on the plus strand (G>A on the coding strand, the complement: MYL3 is on the minus strand). VCF-style: chr3-46860763-C-T. GRCh37 (hg19) VCF-style: chr3-46902253-C-T.
Other names: p.G74R:GGG>AGG; short protein forms G74R.
Identifiers: ClinVar variation 181441 (VCV000181441.23), dbSNP rs730880956, ClinGen allele CA013664.
Genomic context (GRCh38, chr3:46,860,763, plus strand): 5'-GGAGCACTTCTGCCTGTGTGGGGTTCTGGCCCAGCGCCCGCAGGACATCCCCACACTGCC[C>T]GTAGGTGATCTTCATCTCACACTTGGGTGTGCGGTCGAACAGCATGAAGGCTTCCTTGAA-3'
Protein context (NP_000249.1, residues 64-84): TPKCEMKITY[Gly74Arg]QCGDVLRALG